The following is an entry in ClinVar:

ClinVar aggregate classification (germline): Likely benign (1 of 4 stars; one submission).

Submission:

CeGaT Center for Human Genetics Tuebingen
Classification: Likely benign. Last evaluated: 2026-04-01. Review status: criteria provided, single submitter. Criteria: CeGaT Center For Human Genetics Tuebingen Variant Classification Criteria Version 2. Collection method: clinical testing. Allele origin: germline. Affected: yes. Observed: 1 variant allele.
Comment: SHANK3: BP4, BP7

NM_001372044.2(SHANK3):c.4284C>A (p.Ala1428=)

Gene: SHANK3 (SH3 and multiple ankyrin repeat domains 3; plus strand). Cytogenetic location: 22q13.33.
Variant type: single nucleotide variant.
Coding change: c.4284C>A on transcript NM_001372044.2 (MANE Select); coding-DNA position 4284, C replaced by A.
Protein change: p.Ala1428=; no amino-acid change (alanine 1428 retained).
Molecular consequence: synonymous variant.
Genome position (GRCh38, 1-based): chr22:50,721,892, C>A. VCF-style: chr22-50721892-C-A. GRCh37 (hg19) VCF-style: chr22-51160320-C-A.
Identifiers: ClinVar variation 4873930 (VCV004873930.2).